The following is an entry in ClinVar:

ClinVar aggregate classification (germline): Pathogenic/Likely pathogenic. Review status: criteria provided, multiple submitters, no conflicts (2 of 4 stars). 3 submissions from 3 submitters: Pathogenic (2); Likely pathogenic (1). Last evaluated 2025-01-17.

Conditions:
Polycystic kidney disease, adult type (PKD1). Also called: Polycystic Kidney Disease 1, Autosomal Dominant; Polycystic kidney disease 1; Polycystic kidney disease 1, severe; POLYCYSTIC KIDNEY DISEASE, ADULT, TYPE I; POLYCYSTIC KIDNEY DISEASE 1 WITH OR WITHOUT POLYCYSTIC LIVER DISEASE; Polycystic Kidney, Autosomal Dominant. Identifiers: MedGen C3149841, MONDO:0008263, OMIM 173900.

Submissions (3):

GeneDx
Classification: Likely pathogenic. Last evaluated: 2025-01-17. Review status: criteria provided, single submitter. Criteria: GeneDx Variant Classification Process June 2021. Collection method: clinical testing. Allele origin: germline. Affected: yes.
Comment: Inherited variant identified in a patient with ADPKD; however, clinical details were not provided (PMID: 36773205); Nonsense variant predicted to result in protein truncation or nonsense mediated decay in a gene for which loss of function is a known mechanism of disease; Not observed at significant frequency in large population cohorts (gnomAD); This variant is associated with the following publications: (PMID: 31131745, 36773205)

Fulgent Genetics
Classification: Pathogenic for Polycystic kidney disease, adult type. Last evaluated: 2021-11-04. Review status: criteria provided, single submitter. Criteria: ACMG Guidelines, 2015. Collection method: clinical testing. Allele origin: unknown.

ARUP Laboratories, Molecular Genetics and Genomics, ARUP Laboratories
Classification: Pathogenic for Polycystic kidney disease, adult type. Last evaluated: 2019-12-07. Review status: criteria provided, single submitter. Criteria: ARUP Molecular Germline Variant Investigation Process. Collection method: clinical testing. Allele origin: germline.
Comment: The PKD1 c.1903C>T; p.Gln635Ter variant, to our knowledge, is not described in the medical literature or in gene-specific databases. It is also absent from general population databases (Exome Variant Server, Genome Aggregation Database), indicating it is not a common polymorphism. This variant induces an early termination codon and is predicted to result in a truncated protein or mRNA subject to nonsense-mediated decay. Additionally, several downstream truncating variants have been described in individuals affected with autosomal dominant polycystic kidney disease (ADPKD; Audrezet 2012, Rossetti 2007). Based on available information, p.Gln635Ter is considered to be pathogenic. REFERENCES Audrezet M et al. Autosomal dominant polycystic kidney disease: comprehensive mutation analysis of PKD1 and PKD2 in 700 unrelated patients. Hum Mutat. 2012 Aug;33(8):1239-50. Rossetti S et al. Comprehensive molecular diagnostics in autosomal dominant polycystic kidney disease. J Am Soc Nephrol. 2007 Jul;18(7):2143-60.

NM_001009944.3(PKD1):c.1903C>T (p.Gln635Ter)

Gene: PKD1 (polycystin 1, transient receptor potential channel interacting; minus strand). Cytogenetic location: 16p13.3.
Variant type: single nucleotide variant.
Coding change: c.1903C>T on transcript NM_001009944.3 (MANE Select); coding-DNA position 1903, C replaced by T.
Protein change: p.Gln635Ter; replaces glutamine 635 with a stop codon.
Molecular consequence: nonsense.
Genome position (GRCh38, 1-based): chr16:2,115,572, G>A on the plus strand (C>T on the coding strand, the complement: PKD1 is on the minus strand). VCF-style: chr16-2115572-G-A. GRCh37 (hg19) VCF-style: chr16-2165573-G-A.
Other names: c.1903C>T, p.Gln635Ter (NM_000296.4); c.1903C>T (NM_001009944.2); short protein forms Q635*.
Identifiers: ClinVar variation 993410 (VCV000993410.10), dbSNP rs1348307652, ClinGen allele CA394390100.